The following is an entry in ClinVar:

ClinVar aggregate classification (germline): Uncertain significance (1 of 4 stars; one submission).

Conditions:
Familial cold autoinflammatory syndrome 3 (FCAS3). Also called: FAMILIAL ATYPICAL COLD URTICARIA; ANTIBODY DEFICIENCY AND IMMUNE DYSREGULATION, PLCG2-ASSOCIATED. Identifiers: Orphanet 300359, MedGen C3280914, MONDO:0013766, OMIM 614468.

gnomAD v4.1: 7 of 1,613,980 alleles (0.00043%); highest among the groups gnomAD compares: Admixed American, 0.0017%; no homozygotes.

Submission:

Labcorp Genetics (formerly Invitae), Labcorp
Classification: Uncertain significance for Familial cold autoinflammatory syndrome 3. Last evaluated: 2025-03-17. Review status: criteria provided, single submitter. Criteria: Invitae Variant Classification Sherloc (09022015). Collection method: clinical testing. Allele origin: germline.
Comment: This sequence change replaces glutamine, which is neutral and polar, with arginine, which is basic and polar, at codon 90 of the PLCG2 protein (p.Gln90Arg). This variant is not present in population databases (gnomAD no frequency). This variant has not been reported in the literature in individuals affected with PLCG2-related conditions. An algorithm developed to predict the effect of missense changes on protein structure and function (PolyPhen-2) suggests that this variant is likely to be tolerated. In summary, the available evidence is currently insufficient to determine the role of this variant in disease. Therefore, it has been classified as a Variant of Uncertain Significance.

NM_002661.5(PLCG2):c.269A>G (p.Gln90Arg)

Gene: PLCG2 (phospholipase C gamma 2; plus strand). Cytogenetic location: 16q23.3.
Variant type: single nucleotide variant.
Coding change: c.269A>G on transcript NM_002661.5 (MANE Select); coding-DNA position 269, A replaced by G.
Protein change: p.Gln90Arg; replaces glutamine 90 with arginine.
Molecular consequence: missense variant.
Genome position (GRCh38, 1-based): chr16:81,854,519, A>G. VCF-style: chr16-81854519-A-G. GRCh37 (hg19) VCF-style: chr16-81888124-A-G.
Other names: c.269A>G, p.Gln90Arg (NM_001425749.1, NM_001425750.1, NM_001425751.1); short protein forms Q90R.
Identifiers: ClinVar variation 3634081 (VCV003634081.2).